The following is an entry in ClinVar:

ClinVar aggregate classification (germline): Uncertain significance. Review status: criteria provided, multiple submitters, no conflicts (2 of 4 stars). 3 submissions from 2 submitters: Uncertain significance (3). Last evaluated 2022-06-13.

Conditions:
Muscular dystrophy-dystroglycanopathy (congenital with brain and eye anomalies), type A6. Also called: MUSCULAR DYSTROPHY-DYSTROGLYCANOPATHY (CONGENITAL WITH BRAIN AND EYE ANOMALIES), TYPE A, 6; WALKER-WARBURG SYNDROME OR MUSCLE-EYE-BRAIN DISEASE, LARGE-RELATED. Identifiers: Orphanet 588, Orphanet 899, MedGen C3150414, MONDO:0013158, OMIM 613154.
Muscular dystrophy-dystroglycanopathy type B6 (MDDGB6). Also called: MUSCULAR DYSTROPHY-DYSTROGLYCANOPATHY (CONGENITAL WITH IMPAIRED INTELLECTUAL DEVELOPMENT), TYPE B, 6; MUSCULAR DYSTROPHY, CONGENITAL, LARGE-RELATED; MUSCULAR DYSTROPHY, CONGENITAL, TYPE 1D. Identifiers: MedGen C1837229, MONDO:0012138, OMIM 608840.

Allele frequency attached by ClinVar (database versions not stated): TOPMed 0.00002; ESP Exome Variant Server 0.00008; gnomAD exomes 0.00011.
gnomAD v4.1: 164 of 1,613,934 alleles (0.01%); highest among the groups gnomAD compares: Non-Finnish European, 0.014%; no homozygotes.

Submissions (3):

Labcorp Genetics (formerly Invitae), Labcorp
Classification: Uncertain significance for Muscular dystrophy-dystroglycanopathy type B6. Last evaluated: 2022-06-13. Review status: criteria provided, single submitter. Criteria: Invitae Variant Classification Sherloc (09022015). Collection method: clinical testing. Allele origin: germline.
Comment: This sequence change replaces leucine, which is neutral and non-polar, with methionine, which is neutral and non-polar, at codon 476 of the LARGE1 protein (p.Leu476Met). This variant is present in population databases (rs369168322, gnomAD 0.008%). This variant has not been reported in the literature in individuals affected with LARGE1-related conditions. ClinVar contains an entry for this variant (Variation ID: 902051). Algorithms developed to predict the effect of missense changes on protein structure and function are either unavailable or do not agree on the potential impact of this missense change (SIFT: "Tolerated"; PolyPhen-2: "Probably Damaging"; Align-GVGD: "Class C0"). In summary, the available evidence is currently insufficient to determine the role of this variant in disease. Therefore, it has been classified as a Variant of Uncertain Significance.

Illumina Laboratory Services, Illumina
Classification: Uncertain significance for Muscular dystrophy-dystroglycanopathy (congenital with brain and eye anomalies), type A6. Last evaluated: 2018-01-13. Review status: criteria provided, single submitter. Criteria: ICSL Variant Classification Criteria 13 December 2019. Collection method: clinical testing. Allele origin: germline.

Illumina Laboratory Services, Illumina
Classification: Uncertain significance for Muscular dystrophy-dystroglycanopathy type B6. Last evaluated: 2018-01-13. Review status: criteria provided, single submitter. Criteria: ICSL Variant Classification Criteria 13 December 2019. Collection method: clinical testing. Allele origin: germline.

NM_133642.5(LARGE1):c.1426C>A (p.Leu476Met)

Gene: LARGE1 (LARGE xylosyl- and glucuronyltransferase 1; minus strand). Cytogenetic location: 22q12.3.
Variant type: single nucleotide variant.
Coding change: c.1426C>A on transcript NM_133642.5 (MANE Select); coding-DNA position 1426, C replaced by A.
Protein change: p.Leu476Met; replaces leucine 476 with methionine.
Molecular consequence: missense variant.
Genome position (GRCh38, 1-based): chr22:33,316,110, G>T on the plus strand (C>A on the coding strand, the complement: LARGE1 is on the minus strand). VCF-style: chr22-33316110-G-T. GRCh37 (hg19) VCF-style: chr22-33712096-G-T.
Other names: c.1426C>A, p.Leu476Met (NM_001362949.2, NM_001362951.2, NM_001362953.2 and 6 more transcripts); c.1270C>A, p.Leu424Met (NM_001378629.1); c.823C>A, p.Leu275Met (NM_001378630.1); c.667C>A, p.Leu223Met (NM_001378631.1); short protein forms L223M, L476M, L275M, L424M.
Identifiers: ClinVar variation 902051 (VCV000902051.5), dbSNP rs369168322, ClinGen allele CA10202752.